The following is an entry in ClinVar:

ClinVar aggregate classification (germline): Uncertain significance (1 of 4 stars; one submission).

Conditions:
Inborn genetic diseases. Identifiers: MedGen C0950123, MeSH D030342.

Submission:

Ambry Genetics
Classification: Uncertain significance for Inborn genetic diseases. Last evaluated: 2025-10-01. Review status: criteria provided, single submitter. Criteria: Ambry Variant Classification Scheme 2023. Collection method: clinical testing. Allele origin: germline.
Comment: The c.56G>A (p.G19E) alteration is located in exon 1 (coding exon 1) of the SOX2 gene. This alteration results from a G to A substitution at nucleotide position 56, causing the glycine (G) at amino acid position 19 to be replaced by a glutamic acid (E). Based on data from gnomAD, the A allele has an overall frequency of <0.001% (0/213626) total alleles studied. The highest observed frequency was <0.001% (/) of alleles. Based on insufficient or conflicting evidence, the clinical significance of this alteration remains unclear.

NM_003106.4(SOX2):c.56G>A (p.Gly19Glu)

Genes: SOX2 (SRY-box transcription factor 2; plus strand), SOX2-OT (SOX2 overlapping transcript; plus strand), LOC108281177 (SOX2 5' regulatory region; plus strand). Cytogenetic location: 3q26.33.
Variant type: single nucleotide variant.
Coding change: c.56G>A on transcript NM_003106.4 (MANE Select); coding-DNA position 56, G replaced by A.
Protein change: p.Gly19Glu; replaces glycine 19 with glutamic acid.
Molecular consequence: missense variant.
Genome position (GRCh38, 1-based): chr3:181,712,416, G>A. VCF-style: chr3-181712416-G-A. GRCh37 (hg19) VCF-style: chr3-181430204-G-A.
Other names: short protein forms G19E.
Identifiers: ClinVar variation 4631864 (VCV004631864.1).